The following is an entry in ClinVar:

NM_014974.3(DIP2C):c.3012C>T (p.Cys1004=)

Gene: DIP2C (DIP2 acetate--CoA ligase C (putative); minus strand). Cytogenetic location: 10p15.3.
Variant type: single nucleotide variant.
Coding change: c.3012C>T on transcript NM_014974.3 (MANE Select); coding-DNA position 3012, C replaced by T.
Protein change: p.Cys1004=; no amino-acid change (cysteine 1004 retained).
Molecular consequence: synonymous variant.
Genome position (GRCh38, 1-based): chr10:349,428, G>A on the plus strand (C>T on the coding strand, the complement: DIP2C is on the minus strand). VCF-style: chr10-349428-G-A. GRCh37 (hg19) VCF-style: chr10-395368-G-A.
Identifiers: ClinVar variation 773532 (VCV000773532.13), dbSNP rs79727010, ClinGen allele CA5380165.
Genomic context (GRCh38, chr10:349,428, plus strand): 5'-AAGGTGGCCCCTCTCCATCAGCATCACGGCGATCTTCTCAGCTCTCTTGTGCAGCTGCAC[G>A]CAGGTCAGCGAGTTCGCTATCGCACCCTGCGGGCCGATCACAGGGACAAGCACATAAGAT-3'
Protein context (NP_055789.1, residues 994-1014): CRGAIANSLT[Cys1004=]VQLHKRAEKI

ClinVar aggregate classification (germline): Benign/Likely benign. Review status: criteria provided, multiple submitters, no conflicts (2 of 4 stars). 3 submissions from 3 submitters: Benign (2); Likely benign (1). Last evaluated 2026-01-28.

Conditions:
DIP2C-related disorder. Also called: DIP2C-related condition.

Allele frequency attached by ClinVar (database versions not stated): gnomAD exomes 0.00428; ExAC 0.00474; 1000 Genomes Project 0.01158; 1000 Genomes Project 30x 0.01218; gnomAD 0.01262 and 0.01357; ESP Exome Variant Server 0.01445; TOPMed 0.01501.
gnomAD v4.1: 5,459 of 1,609,262 alleles (0.34%); highest among the groups gnomAD compares: African/African-American, 3.8%; 79 homozygotes.

Submissions (3):

Labcorp Genetics (formerly Invitae), Labcorp
Classification: Benign. Last evaluated: 2026-01-28. Review status: criteria provided, single submitter. Criteria: Invitae Variant Classification Sherloc (09022015). Collection method: clinical testing. Allele origin: germline.

PreventionGenetics, part of Exact Sciences
Classification: Likely benign for DIP2C-related condition. Last evaluated: 2025-02-11. Review status: criteria provided, single submitter. Criteria: ACMG Guidelines, 2015. Collection method: clinical testing. Allele origin: germline.
Comment: This variant is classified as likely benign based on ACMG/AMP sequence variant interpretation guidelines (Richards et al. 2015 PMID: 25741868, with internal and published modifications).

Breakthrough Genomics
Classification: Benign. Review status: criteria provided, single submitter. Criteria: ACMG Guidelines, 2015. Collection method: not provided. Allele origin: germline. Inheritance: Unknown mechanism. Affected: yes.